The following is an entry in ClinVar:

NM_004329.3(BMPR1A):c.1481G>T (p.Arg494Leu)

Gene: BMPR1A (bone morphogenetic protein receptor type 1A; plus strand). Cytogenetic location: 10q23.2.
Variant type: single nucleotide variant.
Coding change: c.1481G>T on transcript NM_004329.3 (MANE Select); coding-DNA position 1481, G replaced by T.
Protein change: p.Arg494Leu; replaces arginine 494 with leucine.
Molecular consequence: missense variant.
Genome position (GRCh38, 1-based): chr10:86,923,601, G>T. VCF-style: chr10-86923601-G-T. GRCh37 (hg19) VCF-style: chr10-88683358-G-T.
Other names: c.1556G>T, p.Arg519Leu (NM_001406559.1); c.1529G>T, p.Arg510Leu (NM_001406560.1); c.1481G>T, p.Arg494Leu (NM_001406561.1, NM_001406562.1, NM_001406563.1 and 19 more transcripts); c.1475G>T, p.Arg492Leu (NM_001406583.1); c.1397G>T, p.Arg466Leu (NM_001406584.1, NM_001406585.1, NM_001406586.1 and 2 more transcripts); c.1139G>T, p.Arg380Leu (NM_001406589.1); short protein forms R510L, R380L, R466L, R494L, R519L, R492L.
Identifiers: ClinVar variation 1773578 (VCV001773578.2), dbSNP rs1204089728, ClinGen allele CA377463686.
Genomic context (GRCh38, chr10:86,923,601, plus strand): 5'-GTAAATGCCACCAAATATATTCTCTGCTCACTGAACATCTCTTTACTTTTCAGTGTCTAC[G>T]AGCAGTTTTGAAGCTAATGTCAGAATGCTGGGCCCACAATCCAGCCTCCAGACTCACAGC-3'
Protein context (NP_004320.2, residues 484-504): SNRWNSDECL[Arg494Leu]AVLKLMSECW

ClinVar aggregate classification (germline): Uncertain significance (1 of 4 stars; one submission).

Conditions:
Hereditary cancer-predisposing syndrome. Also called: Hereditary Cancer Syndrome; Hereditary neoplastic syndrome; Neoplastic Syndromes, Hereditary; Tumor predisposition. Identifiers: Orphanet 140162, MedGen C0027672, MeSH D009386, MONDO:0015356.

Submission:

Ambry Genetics
Classification: Uncertain significance for Hereditary cancer-predisposing syndrome. Last evaluated: 2022-02-20. Review status: criteria provided, single submitter. Criteria: Ambry Variant Classification Scheme 2023. Collection method: clinical testing. Allele origin: germline.
Comment: The p.R494L variant (also known as c.1481G>T), located in coding exon 11 of the BMPR1A gene, results from a G to T substitution at nucleotide position 1481. The arginine at codon 494 is replaced by leucine, an amino acid with dissimilar properties. This amino acid position is highly conserved in available vertebrate species. In addition, this alteration is predicted to be deleterious by in silico analysis. Since supporting evidence is limited at this time, the clinical significance of this alteration remains unclear.